The following is an entry in ClinVar:

ClinVar aggregate classification (germline): Likely pathogenic (1 of 4 stars; one submission).

Submission:

Labcorp Genetics (formerly Invitae), Labcorp
Classification: Likely pathogenic. Last evaluated: 2024-08-14. Review status: criteria provided, single submitter. Criteria: Invitae Variant Classification Sherloc (09022015). Collection method: clinical testing. Allele origin: germline.
Comment: This sequence change affects an acceptor splice site in intron 8 of the TCF3 gene. It is expected to disrupt RNA splicing. Variants that disrupt the donor or acceptor splice site typically lead to a loss of protein function (PMID: 16199547), and loss-of-function variants in TCF3 are known to be pathogenic (PMID: 24216514, 30063982, 37277074). This variant is not present in population databases (gnomAD no frequency). This variant has not been reported in the literature in individuals affected with TCF3-related conditions. ClinVar contains an entry for this variant (Variation ID: 2129140). Algorithms developed to predict the effect of sequence changes on RNA splicing suggest that this variant may disrupt the consensus splice site. In summary, the currently available evidence indicates that the variant is pathogenic, but additional data are needed to prove that conclusively. Therefore, this variant has been classified as Likely Pathogenic.

Literature cited by the submitters: PubMed 16199547; PubMed 24216514; PubMed 30063982; PubMed 37277074.

NM_003200.5(TCF3):c.550-1G>C

Gene: TCF3 (transcription factor 3; minus strand). Cytogenetic location: 19p13.3.
Variant type: single nucleotide variant.
Coding change: c.550-1G>C on transcript NM_003200.5 (MANE Select); the canonical splice acceptor site of the intron before coding-DNA position 550, G replaced by C.
Molecular consequence: splice acceptor variant.
Genome position (GRCh38, 1-based): chr19:1,622,416, C>G on the plus strand (G>C on the coding strand, the complement: TCF3 is on the minus strand). VCF-style: chr19-1622416-C-G. GRCh37 (hg19) VCF-style: chr19-1622415-C-G.
Other names: c.550-1G>C (NM_001351778.2, NM_001136139.4, NM_001351779.2).
Identifiers: ClinVar variation 2129140 (VCV002129140.4), dbSNP rs2146146055, ClinGen allele CA403056253.